The following is an entry in ClinVar:

NM_001330288.2(SMARCC2):c.1043C>T (p.Pro348Leu)

Gene: SMARCC2 (SWI/SNF related BAF chromatin remodeling complex subunit C2; minus strand). Cytogenetic location: 12q13.2.
Variant type: single nucleotide variant.
Coding change: c.1043C>T on transcript NM_001330288.2 (MANE Select); coding-DNA position 1043, C replaced by T.
Protein change: p.Pro348Leu; replaces proline 348 with leucine.
Molecular consequence: missense variant.
Genome position (GRCh38, 1-based): chr12:56,181,015, G>A on the plus strand (C>T on the coding strand, the complement: SMARCC2 is on the minus strand). VCF-style: chr12-56181015-G-A. GRCh37 (hg19) VCF-style: chr12-56574799-G-A.
Other names: c.1043C>T, p.Pro348Leu (NM_001130420.3, NM_003075.5, NM_139067.4); short protein forms P348L.
Identifiers: ClinVar variation 4538002 (VCV004538002.1).

ClinVar aggregate classification (germline): Uncertain significance (1 of 4 stars; one submission).

Submission:

GeneDx
Classification: Uncertain significance. Last evaluated: 2025-06-11. Review status: criteria provided, single submitter. Criteria: GeneDx Variant Classification Process June 2021. Collection method: clinical testing. Allele origin: germline. Affected: yes.
Comment: Not observed at significant frequency in large population cohorts (gnomAD); In silico analysis supports that this missense variant has a deleterious effect on protein structure/function; Has not been previously published as pathogenic or benign to our knowledge